The following is an entry in ClinVar:

ClinVar aggregate classification (germline): Conflicting classifications of pathogenicity. Review status: criteria provided, conflicting classifications (1 of 4 stars). 3 submissions from 3 submitters: Uncertain significance (2); Likely benign (1). Last evaluated 2026-01-05.

Conditions:
Hypokalemic periodic paralysis, type 1. Also called: Hypokalemic Periodic Paralysis Type 1 (AD); HypoPP. Identifiers: Orphanet 681, MedGen C3714580, MONDO:0042979, OMIM 170400.
Malignant hyperthermia, susceptibility to, 5 (MHS5). Also called: CACNA1S-Related Malignant Hyperthermia Susceptibility. Identifiers: Orphanet 423, MedGen C1866077, MONDO:0011163, OMIM 601887.

gnomAD v4.1: 18 of 1,613,982 alleles (0.0011%); highest among the groups gnomAD compares: East Asian, 0.0022%; no homozygotes.

Submissions (3):

Labcorp Genetics (formerly Invitae), Labcorp
Classification: Likely benign for Hypokalemic periodic paralysis, type 1; Malignant hyperthermia, susceptibility to, 5. Last evaluated: 2026-01-05. Review status: criteria provided, single submitter. Criteria: Invitae Variant Classification Sherloc (09022015). Collection method: clinical testing. Allele origin: germline.

Color Diagnostics, LLC DBA Color Health
Classification: Uncertain significance for Malignant hyperthermia, susceptibility to, 5. Last evaluated: 2025-07-14. Review status: criteria provided, single submitter. Criteria: ACMG Guidelines, 2015. Collection method: clinical testing. Allele origin: germline.
Comment: This missense variant replaces glycine with arginine at codon 978 of the CACNA1S protein. Computational prediction suggests that this variant may have deleterious impact on protein structure and function. To our knowledge, functional studies have not been reported for this variant. This variant has not been reported in individuals affected with CACNA1S-related disorders in the literature. This variant has been identified in 2/250438 chromosomes in the general population by the Genome Aggregation Database (gnomAD). The available evidence is insufficient to determine the role of this variant in disease conclusively. Therefore, this variant is classified as a Variant of Uncertain Significance.

All of Us Research Program, National Institutes of Health
Classification: Uncertain significance for Malignant hyperthermia, susceptibility to, 5. Last evaluated: 2023-04-03. Review status: criteria provided, single submitter. Criteria: ACMG Guidelines, 2015. Collection method: clinical testing. Allele origin: germline. Inheritance: Autosomal dominant inheritance. Observed: 1 variant allele, 1 heterozygote.
Comment: This missense variant replaces glycine with arginine at codon 978 of the CACNA1S protein. Computational prediction suggests that this variant may have deleterious impact on protein structure and function (internally defined REVEL score threshold >= 0.7, PMID: 27666373). To our knowledge, functional studies have not been reported for this variant. This variant has not been reported in individuals affected with CACNA1S-related disorders in the literature. This variant has been identified in 2/250438 chromosomes in the general population by the Genome Aggregation Database (gnomAD). The available evidence is insufficient to determine the role of this variant in disease conclusively. Therefore, this variant is classified as a Variant of Uncertain Significance.

This study involves interpretation of variants in research participants for the purpose of population health screening. Participant phenotype was not available at the time of variant classification. Additional details can be found in publication PMID: 35346344, PMCID: PMC8962531

NM_000069.3(CACNA1S):c.2932G>A (p.Gly978Arg)

Gene: CACNA1S (calcium voltage-gated channel subunit alpha1 S; minus strand). Cytogenetic location: 1q32.1.
Variant type: single nucleotide variant.
Coding change: c.2932G>A on transcript NM_000069.3 (MANE Select); coding-DNA position 2932, G replaced by A.
Protein change: p.Gly978Arg; replaces glycine 978 with arginine.
Molecular consequence: missense variant.
Genome position (GRCh38, 1-based): chr1:201,062,065, C>T on the plus strand (G>A on the coding strand, the complement: CACNA1S is on the minus strand). VCF-style: chr1-201062065-C-T. GRCh37 (hg19) VCF-style: chr1-201031193-C-T.
Other names: short protein forms G978R.
Identifiers: ClinVar variation 834688 (VCV000834688.10), dbSNP rs760596943, ClinGen allele CA079429.